The following is an entry in ClinVar:

ClinVar aggregate classification (germline): Uncertain significance (1 of 4 stars; one submission).

Conditions:
Syndromic multisystem autoimmune disease due to ITCH deficiency. Also called: AUTOIMMUNE DISEASE, MULTISYSTEM, WITH FACIAL DYSMORPHISM. Identifiers: Orphanet 228426, MedGen C3150649, MONDO:0013245, OMIM 613385.

Submission:

Labcorp Genetics (formerly Invitae), Labcorp
Classification: Uncertain significance for Syndromic multisystem autoimmune disease due to ITCH deficiency. Last evaluated: 2021-10-10. Review status: criteria provided, single submitter. Criteria: Invitae Variant Classification Sherloc (09022015). Collection method: clinical testing. Allele origin: germline.
Comment: In summary, the available evidence is currently insufficient to determine the role of this variant in disease. Therefore, it has been classified as a Variant of Uncertain Significance. Algorithms developed to predict the effect of missense changes on protein structure and function are either unavailable or do not agree on the potential impact of this missense change (SIFT: "Not Available"; PolyPhen-2: "Probably Damaging"; Align-GVGD: "Not Available"). This variant has not been reported in the literature in individuals affected with ITCH-related conditions. This variant is not present in population databases (ExAC no frequency). This sequence change replaces glutamine with histidine at codon 730 of the ITCH protein (p.Gln730His). The glutamine residue is highly conserved and there is a small physicochemical difference between glutamine and histidine.

NM_031483.7(ITCH):c.2190A>C (p.Gln730His)

Gene: ITCH (itchy E3 ubiquitin protein ligase; plus strand). Cytogenetic location: 20q11.22.
Variant type: single nucleotide variant.
Coding change: c.2190A>C on transcript NM_031483.7 (MANE Select); coding-DNA position 2190, A replaced by C.
Protein change: p.Gln730His; replaces glutamine 730 with histidine.
Molecular consequence: missense variant.
Genome position (GRCh38, 1-based): chr20:34,489,362, A>C. VCF-style: chr20-34489362-A-C. GRCh37 (hg19) VCF-style: chr20-33077167-A-C.
Other names: c.2313A>C, p.Gln771His (NM_001257137.3, NM_001324197.2); c.1860A>C, p.Gln620His (NM_001257138.3); c.2190A>C, p.Gln730His (NM_001324198.2); short protein forms Q620H, Q730H, Q771H.
Identifiers: ClinVar variation 1385930 (VCV001385930.6), dbSNP rs766352760, ClinGen allele CA408672320.
Genomic context (GRCh38, chr20:34,489,362, plus strand): 5'-AGAACAGACACAAGCTTTCTTTGAAGGCTTTAATGAAATTCTTCCCCAGCAATATTTGCA[A>C]TACTTTGATGCAAAGGAATTAGAGGTAATGAATTTTCCTTCATTCCCCTGTACCATGCTA-3'
Protein context (NP_113671.3, residues 720-740): FNEILPQQYL[Gln730His]YFDAKELEVL